The following is an entry in ClinVar:

ClinVar aggregate classification (germline): Uncertain significance (0 of 4 stars; one submission).

Conditions:
UBQLN2-related disorder. Also called: UBQLN2-related condition.

Allele frequency attached by ClinVar (database versions not stated): gnomAD exomes 0.00002.
gnomAD v4.1: 10 of 1,210,087 alleles (0.00083%); highest among the groups gnomAD compares: South Asian, 0.018%; no homozygotes.

Submission:

PreventionGenetics, part of Exact Sciences
Classification: Uncertain significance for UBQLN2-related condition. Last evaluated: 2023-12-13. Review status: no assertion criteria provided. Collection method: clinical testing. Allele origin: germline.
Comment: The UBQLN2 c.1457G>C variant is predicted to result in the amino acid substitution p.Gly486Ala. To our knowledge, this variant has not been reported in the literature. This variant is reported in 0.011% of alleles in individuals of South Asian descent in gnomAD. Although we suspect that this variant may be benign, at this time, the clinical significance of this variant is uncertain due to the absence of conclusive functional and genetic evidence.

NM_013444.4(UBQLN2):c.1457G>C (p.Gly486Ala)

Gene: UBQLN2 (ubiquilin 2; plus strand). Cytogenetic location: Xp11.21.
Variant type: single nucleotide variant.
Coding change: c.1457G>C on transcript NM_013444.4 (MANE Select); coding-DNA position 1457, G replaced by C.
Protein change: p.Gly486Ala; replaces glycine 486 with alanine.
Molecular consequence: missense variant.
Genome position (GRCh38, 1-based): chrX:56,565,330, G>C. VCF-style: chrX-56565330-G-C. GRCh37 (hg19) VCF-style: chrX-56591763-G-C.
Other names: short protein forms G486A.
Identifiers: ClinVar variation 3057344 (VCV003057344.2), dbSNP rs1473415121, ClinGen allele CA413380614.
Genomic context (GRCh38, chrX:56,565,330, plus strand): 5'-CCACTGAAGCACCTGGCCTGATTCCGAGCTTCACTCCAGGTGTGGGGGTGGGGGTGCTGG[G>C]AACCGCTATAGGCCCTGTAGGCCCAGTCACCCCCATAGGCCCCATAGGCCCTATAGTCCC-3'
Protein context (NP_038472.2, residues 476-496): FTPGVGVGVL[Gly486Ala]TAIGPVGPVT